The following is an entry in ClinVar:

ClinVar aggregate classification (germline): Uncertain significance (1 of 4 stars; one submission).

Conditions:
Hypodontia. Also called: Partial congenital absence of teeth; TOOTH AGENESIS, FAMILIAL; Tooth agenesis, selective. Identifiers: Orphanet 99798, MedGen C0020608, MONDO:0005486, HP:0000668. Disease mechanism: loss of function.

Submission:

Labcorp Genetics (formerly Invitae), Labcorp
Classification: Uncertain significance for Hypodontia. Last evaluated: 2025-02-10. Review status: criteria provided, single submitter. Criteria: Invitae Variant Classification Sherloc (09022015). Collection method: clinical testing. Allele origin: germline.
Comment: This sequence change replaces arginine, which is basic and polar, with proline, which is neutral and non-polar, at codon 88 of the PAX9 protein (p.Arg88Pro). This variant is not present in population databases (gnomAD no frequency). This variant has not been reported in the literature in individuals affected with PAX9-related conditions. Invitae Evidence Modeling of protein sequence and biophysical properties (such as structural, functional, and spatial information, amino acid conservation, physicochemical variation, residue mobility, and thermodynamic stability) indicates that this missense variant is not expected to disrupt PAX9 protein function with a negative predictive value of 80%. In summary, the available evidence is currently insufficient to determine the role of this variant in disease. Therefore, it has been classified as a Variant of Uncertain Significance.

NM_001372076.1(PAX9):c.263G>C (p.Arg88Pro)

Gene: PAX9 (paired box 9; plus strand). Cytogenetic location: 14q13.3.
Variant type: single nucleotide variant.
Coding change: c.263G>C on transcript NM_001372076.1 (MANE Select); coding-DNA position 263, G replaced by C.
Protein change: p.Arg88Pro; replaces arginine 88 with proline.
Molecular consequence: missense variant.
Genome position (GRCh38, 1-based): chr14:36,663,155, G>C. VCF-style: chr14-36663155-G-C. GRCh37 (hg19) VCF-style: chr14-37132360-G-C.
Other names: c.263G>C, p.Arg88Pro (NM_006194.4); short protein forms R88P.
Identifiers: ClinVar variation 4738820 (VCV004738820.1).